The following is an entry in ClinVar:

ClinVar aggregate classification (germline): Uncertain significance (1 of 4 stars; one submission).

Conditions:
Hereditary cancer-predisposing syndrome. Also called: Hereditary neoplastic syndrome; Neoplastic Syndromes, Hereditary; Tumor predisposition; Hereditary Cancer Syndrome. Identifiers: Orphanet 140162, MedGen C0027672, MeSH D009386, MONDO:0015356.

gnomAD v4.1: 1 of 1,614,136 alleles (0.000062%); highest among the groups gnomAD compares: Non-Finnish European, 0.000085%; no homozygotes.

Submission:

Ambry Genetics
Classification: Uncertain significance for Hereditary cancer-predisposing syndrome. Last evaluated: 2025-08-27. Review status: criteria provided, single submitter. Criteria: Ambry Variant Classification Scheme 2023. Collection method: clinical testing. Allele origin: germline.
Comment: The p.A205P variant (also known as c.613G>C), located in coding exon 8 of the MUTYH gene, results from a G to C substitution at nucleotide position 613. The alanine at codon 205 is replaced by proline, an amino acid with highly similar properties. This amino acid position is conserved. In addition, the in silico prediction for this alteration is inconclusive. Based on the available evidence, the clinical significance of this variant remains unclear.

NM_001048174.2(MUTYH):c.529G>C (p.Ala177Pro)

Gene: MUTYH (mutY DNA glycosylase; minus strand). Cytogenetic location: 1p34.1.
Variant type: single nucleotide variant.
Coding change: c.529G>C on transcript NM_001048174.2 (MANE Select); coding-DNA position 529, G replaced by C.
Protein change: p.Ala177Pro; replaces alanine 177 with proline.
Molecular consequence: missense variant. On other transcripts: non-coding transcript variant (7).
Genome position (GRCh38, 1-based): chr1:45,332,651, C>G on the plus strand (G>C on the coding strand, the complement: MUTYH is on the minus strand). VCF-style: chr1-45332651-C-G. GRCh37 (hg19) VCF-style: chr1-45798323-C-G.
Other names: c.532G>C, p.Ala178Pro (NM_001048172.2, NM_001407078.1, NM_001407086.1 and 1 more transcripts); c.529G>C, p.Ala177Pro (NM_001048173.2, NM_001293195.2, NM_001407081.1 and 6 more transcripts); c.613G>C, p.Ala205Pro (NM_001128425.2); c.574G>C, p.Ala192Pro (NM_001293190.2); c.562G>C, p.Ala188Pro (NM_001293191.2, NM_001407069.1, NM_001407077.1); c.253G>C, p.Ala85Pro (NM_001293192.2, NM_001293196.2, NM_001407091.1); c.490G>C, p.Ala164Pro (NM_001407079.1); c.487G>C, p.Ala163Pro (NM_001407080.1); and 5 more; short protein forms A163P, A191P, A85P, A164P, A178P, A184P, A62P, A188P.
Identifiers: ClinVar variation 4113758 (VCV004113758.1).